The following is an entry in ClinVar:

ClinVar aggregate classification (germline): Pathogenic (1 of 4 stars; one submission).

Conditions:
Early-infantile DEE. Also called: Early infantile epileptic encephalopathy with suppression bursts; Early infantile epileptic encephalopathy; Ohtahara syndrome. Identifiers: Orphanet 1934, MedGen C0393706, MONDO:0800491.

Submission:

Labcorp Genetics (formerly Invitae), Labcorp
Classification: Pathogenic for Early-infantile DEE. Last evaluated: 2025-05-27. Review status: criteria provided, single submitter. Criteria: Invitae Variant Classification Sherloc (09022015). Collection method: clinical testing. Allele origin: germline.
Comment: This sequence change replaces phenylalanine, which is neutral and non-polar, with serine, which is neutral and polar, at codon 1431 of the SCN1A protein (p.Phe1431Ser). This variant is not present in population databases (gnomAD no frequency). This missense change has been observed in individual(s) with developmental and epileptic encephalopathy (internal data). In at least one individual the variant was observed to be de novo. Invitae Evidence Modeling of protein sequence and biophysical properties (such as structural, functional, and spatial information, amino acid conservation, physicochemical variation, residue mobility, and thermodynamic stability) indicates that this missense variant is expected to disrupt SCN1A protein function with a positive predictive value of 95%. For these reasons, this variant has been classified as Pathogenic.

NM_001165963.4(SCN1A):c.4292T>C (p.Phe1431Ser)

Genes: SCN1A (sodium voltage-gated channel alpha subunit 1; minus strand), LOC102724058 (uncharacterized LOC102724058; plus strand). Cytogenetic location: 2q24.3.
Variant type: single nucleotide variant.
Coding change: c.4292T>C on transcript NM_001165963.4 (MANE Select); coding-DNA position 4292, T replaced by C.
Protein change: p.Phe1431Ser; replaces phenylalanine 1431 with serine.
Molecular consequence: missense variant. On other transcripts: non-coding transcript variant (1).
Genome position (GRCh38, 1-based): chr2:165,999,769, A>G on the plus strand (T>C on the coding strand, the complement: SCN1A is on the minus strand). VCF-style: chr2-165999769-A-G. GRCh37 (hg19) VCF-style: chr2-166856279-A-G.
Other names: c.4208T>C, p.Phe1403Ser (NM_001165964.3, NM_001353957.2, NM_001353958.2); c.4292T>C, p.Phe1431Ser (NM_001202435.3, NM_001353948.2); c.4259T>C, p.Phe1420Ser (NM_001353949.2, NM_001353950.2, NM_001353951.2 and 2 more transcripts); c.4256T>C, p.Phe1419Ser (NM_001353954.2, NM_001353955.2); c.4205T>C, p.Phe1402Ser (NM_001353960.2); c.1850T>C, p.Phe617Ser (NM_001353961.2); short protein forms F1402S, F1403S, F1419S, F1420S, F1431S, F617S.
Identifiers: ClinVar variation 4800267 (VCV004800267.1).